The following is an entry in ClinVar:

ClinVar aggregate classification (germline): Uncertain significance (1 of 4 stars; one submission).

Conditions:
Myofibrillar myopathy 4. Also called: Zaspopathy (type). Identifiers: Orphanet 98912, MedGen C4721886, MONDO:0012277, OMIM 609452.

Submission:

Labcorp Genetics (formerly Invitae), Labcorp
Classification: Uncertain significance for Myofibrillar myopathy 4. Last evaluated: 2025-10-08. Review status: criteria provided, single submitter. Criteria: Invitae Variant Classification Sherloc (09022015). Collection method: clinical testing. Allele origin: germline.
Comment: This sequence change replaces isoleucine, which is neutral and non-polar, with serine, which is neutral and polar, at codon 138 of the LDB3 protein (p.Ile138Ser). This variant is present in population databases (rs777544966, gnomAD 0.006%). This variant has not been reported in the literature in individuals affected with LDB3-related conditions. An algorithm developed to predict the effect of missense changes on protein structure and function (PolyPhen-2) suggests that this variant is likely to be tolerated. In summary, the available evidence is currently insufficient to determine the role of this variant in disease. Therefore, it has been classified as a Variant of Uncertain Significance.

NM_001368067.1(LDB3):c.413T>G (p.Ile138Ser)

Genes: LDB3 (LIM domain binding 3; plus strand), LOC110121486 (VISTA enhancer hs2143; plus strand). Cytogenetic location: 10q23.2.
Variant type: single nucleotide variant.
Coding change: c.413T>G on transcript NM_001368067.1 (MANE Plus Clinical); coding-DNA position 413, T replaced by G.
Protein change: p.Ile138Ser; replaces isoleucine 138 with serine.
Molecular consequence: missense variant. On other transcripts: intron variant (5).
Genome position (GRCh38, 1-based): chr10:86,687,137, T>G. VCF-style: chr10-86687137-T-G. GRCh37 (hg19) VCF-style: chr10-88446894-T-G.
Other names: c.413T>G, p.Ile138Ser (NM_001080114.2, NM_001080116.1, NM_001368066.1 and 1 more transcripts); c.758T>G, p.Ile253Ser (NM_001171610.2, NM_001171611.2); c.690-4759T>G (NM_001368064.1, NM_001368063.1, NM_007078.3 and 2 more transcripts); short protein forms I138S, I253S.
Identifiers: ClinVar variation 4728745 (VCV004728745.1).